The following is an entry in ClinVar:

NM_002427.4(MMP13):c.974C>T (p.Ser325Leu)

Gene: MMP13 (matrix metallopeptidase 13; minus strand). Cytogenetic location: 11q22.2.
Variant type: single nucleotide variant.
Coding change: c.974C>T on transcript NM_002427.4 (MANE Select); coding-DNA position 974, C replaced by T.
Protein change: p.Ser325Leu; replaces serine 325 with leucine.
Molecular consequence: missense variant.
Genome position (GRCh38, 1-based): chr11:102,949,102, G>A on the plus strand (C>T on the coding strand, the complement: MMP13 is on the minus strand). VCF-style: chr11-102949102-G-A. GRCh37 (hg19) VCF-style: chr11-102819831-G-A.
Other names: short protein forms S325L.
Identifiers: ClinVar variation 1720292 (VCV001720292.5), dbSNP rs2134516943, ClinGen allele CA382227790.
Genomic context (GRCh38, chr11:102,949,102, plus strand): 5'-AGGTCATGAGAAGGGTGCTCATATGCAGCATCAATACGGTTGGGAAGTTCTGGCCAAAAT[G>A]ATTTCGTTAAAAACAGCTCCGCATCAACCTGCTGAGGATGCAGGCGCCAGAAGAATCTAA-3'
Protein context (NP_002418.1, residues 315-335): QVDAELFLTK[Ser325Leu]FWPELPNRID

ClinVar aggregate classification (germline): Uncertain significance (1 of 4 stars; one submission).

Allele frequency attached by ClinVar (database versions not stated): gnomAD exomes below 0.00001.
gnomAD v4.1: 4 of 1,613,816 alleles (0.00025%); highest among the groups gnomAD compares: Non-Finnish European, 0.00034%; no homozygotes.

Submission:

Labcorp Genetics (formerly Invitae), Labcorp
Classification: Uncertain significance. Last evaluated: 2022-11-19. Review status: criteria provided, single submitter. Criteria: Invitae Variant Classification Sherloc (09022015). Collection method: clinical testing. Allele origin: germline.
Comment: In summary, the available evidence is currently insufficient to determine the role of this variant in disease. Therefore, it has been classified as a Variant of Uncertain Significance. Advanced modeling of protein sequence and biophysical properties (such as structural, functional, and spatial information, amino acid conservation, physicochemical variation, residue mobility, and thermodynamic stability) performed at Invitae indicates that this missense variant is not expected to disrupt MMP13 protein function. This variant has not been reported in the literature in individuals affected with MMP13-related conditions. This variant is not present in population databases (gnomAD no frequency). This sequence change replaces serine, which is neutral and polar, with leucine, which is neutral and non-polar, at codon 325 of the MMP13 protein (p.Ser325Leu).